The following is an entry in ClinVar:

ClinVar aggregate classification (germline): Uncertain significance. Review status: criteria provided, multiple submitters, no conflicts (2 of 4 stars). 3 submissions from 3 submitters: Uncertain significance (3). Last evaluated 2025-10-21.

Conditions:
PKHD1-related disorder. Also called: PKHD1-related condition.
Polycystic kidney disease 4 (PKD4). Also called: POLYCYSTIC KIDNEY DISEASE 4 WITH OR WITHOUT POLYCYSTIC LIVER DISEASE; Autosomal Recessive Polycystic Kidney Disease – PKHD1; PKD3; POLYCYSTIC KIDNEY AND HEPATIC DISEASE 1; POLYCYSTIC KIDNEY DISEASE, INFANTILE, TYPE I. Identifiers: MedGen C4540575, MONDO:0033004, OMIM 263200.

Allele frequency attached by ClinVar (database versions not stated): ExAC 0.00002; gnomAD exomes 0.00002 and 0.00005; gnomAD 0.00005; TOPMed 0.00007.
gnomAD v4.1: 85 of 1,613,330 alleles (0.0053%); highest among the groups gnomAD compares: Middle Eastern, 0.016%; no homozygotes.

Submissions (3):

PreventionGenetics, part of Exact Sciences
Classification: Uncertain significance for PKHD1-related condition. Last evaluated: 2025-10-21. Review status: criteria provided, single submitter. Criteria: ACMG Guidelines, 2015. Collection method: clinical testing. Allele origin: germline.
Comment: The PKHD1 c.8813C>T variant is predicted to result in the amino acid substitution p.Thr2938Met. To our knowledge, this variant has not been reported in the literature. This variant is reported in 0.025% of alleles in individuals of East Asian descent in gnomAD. At this time, the clinical significance of this variant is uncertain due to the absence of conclusive functional and genetic evidence.

Fulgent Genetics
Classification: Uncertain significance for Polycystic kidney disease 4. Last evaluated: 2021-10-05. Review status: criteria provided, single submitter. Criteria: ACMG Guidelines, 2015. Collection method: clinical testing. Allele origin: unknown.

Eurofins Ntd Llc (ga)
Classification: Uncertain significance. Last evaluated: 2017-10-11. Review status: criteria provided, single submitter. Criteria: EGL Classification Definitions 2015. Collection method: clinical testing. Allele origin: germline. Observed: 2 variant alleles, 2 heterozygotes.

Literature cited by the submitters: PubMed 15108277 (cited by Eurofins Ntd Llc (ga)).

NM_138694.4(PKHD1):c.8813C>T (p.Thr2938Met)

Gene: PKHD1 (PKHD1 ciliary IPT domain containing fibrocystin/polyductin; minus strand). Cytogenetic location: 6p12.3.
Variant type: single nucleotide variant.
Coding change: c.8813C>T on transcript NM_138694.4 (MANE Select); coding-DNA position 8813, C replaced by T.
Protein change: p.Thr2938Met; replaces threonine 2938 with methionine.
Molecular consequence: missense variant.
Genome position (GRCh38, 1-based): chr6:51,753,338, G>A on the plus strand (C>T on the coding strand, the complement: PKHD1 is on the minus strand). VCF-style: chr6-51753338-G-A. GRCh37 (hg19) VCF-style: chr6-51618136-G-A.
Other names: c.8813C>T, p.Thr2938Met (NM_170724.3); c.8813C>T (NM_138694.3); short protein forms T2938M.
Identifiers: ClinVar variation 594500 (VCV000594500.7), dbSNP rs776068047, ClinGen allele CA3851513.